The following is an entry in ClinVar:

ClinVar aggregate classification (germline): Likely benign. Review status: criteria provided, multiple submitters, no conflicts (2 of 4 stars). 3 submissions from 3 submitters: Likely benign (2). 1 of the submissions does not count toward it. Last evaluated 2024-10-22.

Conditions:
ANKRD11-related disorder. Also called: ANKRD11-related condition.
Inborn genetic diseases. Identifiers: MedGen C0950123, MeSH D030342.
KBG syndrome (KBGS). Also called: ANKRD11-Related KBG Syndrome. Identifiers: Orphanet 2332, MedGen C0220687, MONDO:0007846, OMIM 148050.

Allele frequency attached by ClinVar (database versions not stated): gnomAD 0.00001; TOPMed 0.00003; ExAC 0.00007.
gnomAD v4.1: 15 of 1,581,728 alleles (0.00095%); highest among the groups gnomAD compares: East Asian, 0.0068%; no homozygotes.

Submissions (3):

Labcorp Genetics (formerly Invitae), Labcorp
Classification: Likely benign for KBG syndrome. Last evaluated: 2024-10-22. Review status: criteria provided, single submitter. Criteria: Invitae Variant Classification Sherloc (09022015). Collection method: clinical testing. Allele origin: germline.

Ambry Genetics
Classification: Likely benign for Inborn genetic diseases. Last evaluated: 2018-02-21. Review status: criteria provided, single submitter. Criteria: Ambry Variant Classification Scheme 2023. Collection method: clinical testing. Allele origin: germline.

PreventionGenetics, part of Exact Sciences
Classification: Likely benign for ANKRD11-related condition. Last evaluated: 2022-08-29. Review status: no assertion criteria provided. Collection method: clinical testing. Allele origin: germline. Not counted in ClinVar's aggregate classification.
Comment: This variant is classified as likely benign based on ACMG/AMP sequence variant interpretation guidelines (Richards et al. 2015 PMID: 25741868, with internal and published modifications).

NM_013275.6(ANKRD11):c.6212C>T (p.Ser2071Leu)

Gene: ANKRD11 (ankyrin repeat domain 11; minus strand). Cytogenetic location: 16q24.3.
Variant type: single nucleotide variant.
Coding change: c.6212C>T on transcript NM_013275.6 (MANE Select); coding-DNA position 6212, C replaced by T.
Protein change: p.Ser2071Leu; replaces serine 2071 with leucine.
Molecular consequence: missense variant.
Genome position (GRCh38, 1-based): chr16:89,280,330, G>A on the plus strand (C>T on the coding strand, the complement: ANKRD11 is on the minus strand). VCF-style: chr16-89280330-G-A. GRCh37 (hg19) VCF-style: chr16-89346738-G-A.
Other names: c.6212C>T, p.Ser2071Leu (NM_001256182.2, NM_001256183.2); c.6212C>T (NM_013275.5); short protein forms S2071L.
Identifiers: ClinVar variation 1752229 (VCV001752229.9), dbSNP rs763407068, ClinGen allele CA8241531.